The following is an entry in ClinVar:

NM_001148.6(ANK2):c.10703G>A (p.Arg3568Gln)

Gene: ANK2 (ankyrin 2; plus strand). Cytogenetic location: 4q26.
Variant type: single nucleotide variant.
Coding change: c.10703G>A on transcript NM_001148.6 (MANE Select); coding-DNA position 10703, G replaced by A.
Protein change: p.Arg3568Gln; replaces arginine 3568 with glutamine.
Molecular consequence: missense variant.
Genome position (GRCh38, 1-based): chr4:113,360,844, G>A. VCF-style: chr4-113360844-G-A. GRCh37 (hg19) VCF-style: chr4-114282000-G-A.
Other names: p.R3568Q:CGG>CAG; c.4421G>A, p.Arg1474Gln (NM_001127493.3); c.4460G>A, p.Arg1487Gln (NM_001354225.2); c.4349G>A, p.Arg1450Gln (NM_001354228.2, NM_001354258.2); c.4427G>A, p.Arg1476Gln (NM_001354230.2); c.4490G>A, p.Arg1497Gln (NM_001354231.2, NM_001354242.2); c.4484G>A, p.Arg1495Gln (NM_001354232.2); c.4445G>A, p.Arg1482Gln (NM_001354235.2, NM_001354246.2, NM_001354265.2); and 36 more; short protein forms R1474Q, R3568Q, R1421Q, R1428Q, R1429Q, R1450Q, R1476Q, R1482Q.
Identifiers: ClinVar variation 190529 (VCV000190529.17), dbSNP rs142612379, ClinGen allele CA300722.

ClinVar aggregate classification (germline): Conflicting classifications of pathogenicity. Review status: criteria provided, conflicting classifications (1 of 4 stars). 5 submissions from 5 submitters: Uncertain significance (4); Likely benign (1). Last evaluated 2026-01-22.

Conditions:
Cardiovascular phenotype. Identifiers: MedGen CN230736.
Long QT syndrome (LQTS). Identifiers: MedGen C0023976, MeSH D008133, MONDO:0002442. Disease mechanism: loss of function. Inheritance: Various modes of inheritance.
Cardiac arrhythmia, ankyrin-B-related. Also called: ANKYRIN-B SYNDROME. Identifiers: Orphanet 101016, Orphanet 768, MedGen C1970119, MONDO:0010958, OMIM 600919.

Allele frequency attached by ClinVar (database versions not stated): gnomAD exomes 0.00003 and 0.00005; ExAC 0.00004; ESP Exome Variant Server 0.00015; 1000 Genomes Project 30x 0.00016; 1000 Genomes Project 0.00020; gnomAD 0.00021 and 0.00023; TOPMed 0.00023.
gnomAD v4.1: 83 of 1,612,740 alleles (0.0051%); highest among the groups gnomAD compares: African/African-American, 0.044%; no homozygotes.

Submissions (5):

GeneDx
Classification: Uncertain significance. Last evaluated: 2026-01-22. Review status: criteria provided, single submitter. Criteria: GeneDx Variant Classification Process June 2021. Collection method: clinical testing. Allele origin: germline. Affected: yes.
Comment: Identified in patients referred for LQTS or combined arrhythmia/cardiomyopathy genetic testing at GeneDx and in published literature (PMID: 23631430); In silico analysis supports that this missense variant has a deleterious effect on protein structure/function; This variant is associated with the following publications: (PMID: 23631430)

Ambry Genetics
Classification: Likely benign for Cardiovascular phenotype. Last evaluated: 2025-01-09. Review status: criteria provided, single submitter. Criteria: Ambry Variant Classification Scheme 2023. Collection method: clinical testing. Allele origin: germline.

Labcorp Genetics (formerly Invitae), Labcorp
Classification: Uncertain significance for Long QT syndrome. Last evaluated: 2023-09-01. Review status: criteria provided, single submitter. Criteria: Invitae Variant Classification Sherloc (09022015). Collection method: clinical testing. Allele origin: germline.
Comment: In summary, the available evidence is currently insufficient to determine the role of this variant in disease. Therefore, it has been classified as a Variant of Uncertain Significance. Advanced modeling of protein sequence and biophysical properties (such as structural, functional, and spatial information, amino acid conservation, physicochemical variation, residue mobility, and thermodynamic stability) performed at Invitae indicates that this missense variant is not expected to disrupt ANK2 protein function. ClinVar contains an entry for this variant (Variation ID: 190529). This missense change has been observed in individual(s) with clinical features of long QT syndrome (PMID: 23631430). This variant is present in population databases (rs142612379, gnomAD 0.04%), and has an allele count higher than expected for a pathogenic variant. This sequence change replaces arginine, which is basic and polar, with glutamine, which is neutral and polar, at codon 3568 of the ANK2 protein (p.Arg3568Gln).

Fulgent Genetics
Classification: Uncertain significance for Cardiac arrhythmia, ankyrin-B-related. Last evaluated: 2021-07-23. Review status: criteria provided, single submitter. Criteria: ACMG Guidelines, 2015. Collection method: clinical testing. Allele origin: unknown.

Illumina Laboratory Services, Illumina
Classification: Uncertain significance for Cardiac arrhythmia, ankyrin-B-related. Last evaluated: 2018-01-13. Review status: criteria provided, single submitter. Criteria: ICSL Variant Classification Criteria 13 December 2019. Collection method: clinical testing. Allele origin: germline.

Literature cited by the submitters: PubMed 23631430 (cited by Labcorp Genetics (formerly Invitae), Labcorp).